The following is an entry in ClinVar:

NM_018723.4(RBFOX1):c.500C>T (p.Ala167Val)

Gene: RBFOX1 (RNA binding fox-1 homolog 1; plus strand). Cytogenetic location: 16p13.3.
Variant type: single nucleotide variant.
Coding change: c.500C>T on transcript NM_018723.4 (MANE Select); coding-DNA position 500, C replaced by T.
Protein change: p.Ala167Val; replaces alanine 167 with valine.
Molecular consequence: missense variant.
Genome position (GRCh38, 1-based): chr16:7,595,580, C>T. VCF-style: chr16-7595580-C-T. GRCh37 (hg19) VCF-style: chr16-7645582-C-T.
Other names: c.500C>T, p.Ala167Val (NM_001142333.2, NM_001142334.2, NM_001364800.2); c.629C>T, p.Ala210Val (NM_001308117.1); c.560C>T, p.Ala187Val (NM_145891.3, NM_145892.3, NM_145893.3); short protein forms A187V, A210V, A167V.
Identifiers: ClinVar variation 1438578 (VCV001438578.8), dbSNP rs773528139, ClinGen allele CA7891524.

ClinVar aggregate classification (germline): Uncertain significance (1 of 4 stars; one submission).

Conditions:
Idiopathic generalized epilepsy. Also called: Generalised epilepsy; EIG. Identifiers: MedGen C0270850, MONDO:0005579, OMIM 600669.

Allele frequency attached by ClinVar (database versions not stated): ExAC 0.00001; gnomAD exomes 0.00001; TOPMed 0.00002.
gnomAD v4.1: 3 of 1,560,626 alleles (0.00019%); highest among the groups gnomAD compares: Admixed American, 0.0018%; no homozygotes.

Submission:

Labcorp Genetics (formerly Invitae), Labcorp
Classification: Uncertain significance for Idiopathic generalized epilepsy. Last evaluated: 2024-12-24. Review status: criteria provided, single submitter. Criteria: Invitae Variant Classification Sherloc (09022015). Collection method: clinical testing. Allele origin: germline.
Comment: This sequence change replaces alanine, which is neutral and non-polar, with valine, which is neutral and non-polar, at codon 187 of the RBFOX1 protein (p.Ala187Val). The frequency data for this variant in the population databases is considered unreliable, as metrics indicate poor data quality at this position in the gnomAD database. This variant has not been reported in the literature in individuals affected with RBFOX1-related conditions. ClinVar contains an entry for this variant (Variation ID: 1438578). Invitae Evidence Modeling of protein sequence and biophysical properties (such as structural, functional, and spatial information, amino acid conservation, physicochemical variation, residue mobility, and thermodynamic stability) indicates that this missense variant is not expected to disrupt RBFOX1 protein function with a negative predictive value of 80%. In summary, the available evidence is currently insufficient to determine the role of this variant in disease. Therefore, it has been classified as a Variant of Uncertain Significance.